The following is an entry in ClinVar:

NM_004655.4(AXIN2):c.1790G>C (p.Gly597Ala)

Gene: AXIN2 (axin 2; minus strand). Cytogenetic location: 17q24.1.
Variant type: single nucleotide variant.
Coding change: c.1790G>C on transcript NM_004655.4 (MANE Select); coding-DNA position 1790, G replaced by C.
Protein change: p.Gly597Ala; replaces glycine 597 with alanine.
Molecular consequence: missense variant. On other transcripts: intron variant (1).
Genome position (GRCh38, 1-based): chr17:65,536,986, C>G on the plus strand (G>C on the coding strand, the complement: AXIN2 is on the minus strand). VCF-style: chr17-65536986-C-G. GRCh37 (hg19) VCF-style: chr17-63533104-C-G.
Other names: c.1712+338G>C (NM_001363813.1); short protein forms G597A.
Identifiers: ClinVar variation 2064714 (VCV002064714.5), dbSNP rs2043935112, ClinGen allele CA400676613.

ClinVar aggregate classification (germline): Uncertain significance. Review status: criteria provided, multiple submitters, no conflicts (2 of 4 stars). 2 submissions from 2 submitters: Uncertain significance (2). Last evaluated 2025-11-01.

Conditions:
Hereditary cancer-predisposing syndrome. Also called: Tumor predisposition; Hereditary neoplastic syndrome; Neoplastic Syndromes, Hereditary; Hereditary Cancer Syndrome. Identifiers: Orphanet 140162, MedGen C0027672, MeSH D009386, MONDO:0015356.
Oligodontia-cancer predisposition syndrome. Also called: TOOTH AGENESIS-COLORECTAL CANCER SYNDROME. Identifiers: Orphanet 300576, MedGen C1837750, MONDO:0012075, OMIM 608615. Disease mechanism: loss of function.

Submissions (2):

Ambry Genetics
Classification: Uncertain significance for Hereditary cancer-predisposing syndrome. Last evaluated: 2025-11-01. Review status: criteria provided, single submitter. Criteria: Ambry Variant Classification Scheme 2023. Collection method: clinical testing. Allele origin: germline.
Comment: The p.G597A variant (also known as c.1790G>C), located in coding exon 6 of the AXIN2 gene, results from a G to C substitution at nucleotide position 1790. The glycine at codon 597 is replaced by alanine, an amino acid with similar properties. This amino acid position is conserved. In addition, this alteration is predicted to be tolerated by in silico analysis. Based on the available evidence, the clinical significance of this variant remains unclear.

Labcorp Genetics (formerly Invitae), Labcorp
Classification: Uncertain significance for Oligodontia-cancer predisposition syndrome. Last evaluated: 2023-02-11. Review status: criteria provided, single submitter. Criteria: Invitae Variant Classification Sherloc (09022015). Collection method: clinical testing. Allele origin: germline.
Comment: Algorithms developed to predict the effect of missense changes on protein structure and function output the following: SIFT: "Deleterious"; PolyPhen-2: "Benign"; Align-GVGD: "Class C0". The alanine amino acid residue is found in multiple mammalian species, which suggests that this missense change does not adversely affect protein function. In summary, the available evidence is currently insufficient to determine the role of this variant in disease. Therefore, it has been classified as a Variant of Uncertain Significance. This variant has not been reported in the literature in individuals affected with AXIN2-related conditions. This sequence change replaces glycine, which is neutral and non-polar, with alanine, which is neutral and non-polar, at codon 597 of the AXIN2 protein (p.Gly597Ala). This variant is not present in population databases (gnomAD no frequency).